The following is an entry in ClinVar:

ClinVar aggregate classification (germline): Pathogenic/Likely pathogenic. Review status: criteria provided, multiple submitters, no conflicts (2 of 4 stars). 6 submissions from 6 submitters: Pathogenic (2); Likely pathogenic (4). Last evaluated 2026-01-20.

Conditions:
Caroli disease. Identifiers: Orphanet 53035, MedGen C0162510, MONDO:0010913, OMIM 600643.
Autosomal recessive polycystic kidney disease (ARPKD). Also called: AR polycystic kidney disease. Identifiers: Orphanet 731, Orphanet 8378, MedGen C0085548, MeSH D017044, MONDO:0009889.
Polycystic kidney disease 4 (PKD4). Also called: POLYCYSTIC KIDNEY DISEASE 4 WITH OR WITHOUT POLYCYSTIC LIVER DISEASE; Autosomal Recessive Polycystic Kidney Disease – PKHD1; PKD3; POLYCYSTIC KIDNEY AND HEPATIC DISEASE 1; POLYCYSTIC KIDNEY DISEASE, INFANTILE, TYPE I. Identifiers: MedGen C4540575, MONDO:0033004, OMIM 263200.

Allele frequency attached by ClinVar (database versions not stated): ExAC 0.00001; gnomAD 0.00001; gnomAD exomes 0.00002; TOPMed 0.00002.
gnomAD v4.1: 38 of 1,613,478 alleles (0.0024%); highest among the groups gnomAD compares: Admixed American, 0.012%; no homozygotes.

Submissions (6):

Natera, Inc.
Classification: Pathogenic for Autosomal recessive polycystic kidney disease. Last evaluated: 2026-01-20. Review status: criteria provided, single submitter. Criteria: Natera Variant Classification Schema (03/2026). Collection method: clinical testing. Allele origin: germline.
Comment: The c.2702A>C variant in PKHD1 is a missense variant predicted to cause substitution of asparagine to threonine at amino acid 901. This variant is rare in the general population with a frequency below the threshold expected for the associated phenotype(s). This variant has been observed in one or more individuals affected with the associated recessive disease, as either homozygous or compound heterozygous with a second variant (PMID: 30773290, 27225849, 35715958). Additionally, this variant has been observed to segregate in affected family members (PMID: 35715958). Computational prediction algorithms indicate this variant is likely to affect gene or protein function. Given the available evidence, this variant is classified as Pathogenic.

Labcorp Genetics (formerly Invitae), Labcorp
Classification: Pathogenic for Autosomal recessive polycystic kidney disease. Last evaluated: 2026-01-02. Review status: criteria provided, single submitter. Criteria: Invitae Variant Classification Sherloc (09022015). Collection method: clinical testing. Allele origin: germline.
Comment: This sequence change replaces asparagine, which is neutral and polar, with threonine, which is neutral and polar, at codon 901 of the PKHD1 protein (p.Asn901Thr). This variant is present in population databases (rs764696718, gnomAD 0.01%). This missense change has been observed in individual(s) with polycystic kidney disease (PMID: 27225849, 30773290). In at least one individual the data is consistent with being in trans (on the opposite chromosome) from a pathogenic variant. ClinVar contains an entry for this variant (Variation ID: 577838). Invitae Evidence Modeling of protein sequence and biophysical properties (such as structural, functional, and spatial information, amino acid conservation, physicochemical variation, residue mobility, and thermodynamic stability) indicates that this missense variant is expected to disrupt PKHD1 protein function with a positive predictive value of 80%. For these reasons, this variant has been classified as Pathogenic.

Fulgent Genetics
Classification: Likely pathogenic for Polycystic kidney disease 4. Last evaluated: 2024-01-05. Review status: criteria provided, single submitter. Criteria: ACMG Guidelines, 2015. Collection method: clinical testing. Allele origin: germline.

GeneDx
Classification: Likely pathogenic. Last evaluated: 2022-12-16. Review status: criteria provided, single submitter. Criteria: GeneDx Variant Classification Process June 2021. Collection method: clinical testing. Allele origin: germline. Affected: yes.
Comment: Not observed at significant frequency in large population cohorts (gnomAD); In silico analysis, which includes protein predictors and evolutionary conservation, supports a deleterious effect; This variant is associated with the following publications: (PMID: 30773290, 34426522, 27225849, 35715958)

Myriad Genetics, Inc.
Classification: Likely pathogenic for Polycystic kidney disease 4. Last evaluated: 2021-11-08. Review status: criteria provided, single submitter. Criteria: Myriad Women's Health Autosomal Recessive and X-Linked Classification Criteria (2021). Collection method: clinical testing. Allele origin: unknown.
Comment: NM_138694.3(PKHD1):c.2702A>C(N901T) is a missense variant classified as likely pathogenic in the context of autosomal recessive polycystic kidney disease, PKHD1-related. N901T has been observed in cases with relevant disease (PMID: Raffaella_2017_(no PMID; thesis), 27225849, 30773290). Functional assessments of this variant are not available in the literature. N901T has been observed in population frequency databases (gnomAD: AMR 0.01%). In summary, NM_138694.3(PKHD1):c.2702A>C(N901T) is a missense variant that has been observed more frequently in cases with the relevant disease than in healthy populations. Please note: this variant was assessed in the context of healthy population screening.

Laboratory of Molecular Diagnosis of Genetic Disease, Università degli Studi di Napoli Federico II
Classification: Likely pathogenic for Caroli disease. Last evaluated: 2021-05-05. Review status: criteria provided, single submitter. Criteria: ACMG Guidelines, 2015. Collection method: clinical testing. Allele origin: germline. Affected: yes. Observed: 2 variant alleles.

Literature cited by the submitters: PubMed 30773290 (cited by 4 submitters); PubMed 27225849 (cited by 3 submitters); PubMed 35715958 (cited by Natera, Inc.).

NM_138694.4(PKHD1):c.2702A>C (p.Asn901Thr)

Gene: PKHD1 (PKHD1 ciliary IPT domain containing fibrocystin/polyductin; minus strand). Cytogenetic location: 6p12.2.
Variant type: single nucleotide variant.
Coding change: c.2702A>C on transcript NM_138694.4 (MANE Select); coding-DNA position 2702, A replaced by C.
Protein change: p.Asn901Thr; replaces asparagine 901 with threonine.
Molecular consequence: missense variant.
Genome position (GRCh38, 1-based): chr6:52,044,979, T>G on the plus strand (A>C on the coding strand, the complement: PKHD1 is on the minus strand). VCF-style: chr6-52044979-T-G. GRCh37 (hg19) VCF-style: chr6-51909777-T-G.
Other names: c.2702A>C, p.Asn901Thr (NM_170724.3); short protein forms N901T.
Identifiers: ClinVar variation 577838 (VCV000577838.16), dbSNP rs764696718, ClinGen allele CA3853146.
Genomic context (GRCh38, chr6:52,044,979, plus strand): 5'-AGACTTGAAACTGGAGCTTGCACTTAGGGTGGCCCATTCACTCTCACCTGAGTATGCTGG[T>G]TGGCAGTAGCCAACATGTCTCCAAATATGGGTCCAAGAAAAACTCCACCATCATATACCA-3'
Protein context (NP_619639.3, residues 891-911): PIFGDMLATA[Asn901Thr]QHTQVVVRVN